The following is an entry in ClinVar:

ClinVar aggregate classification (germline): Uncertain significance (1 of 4 stars; one submission).

gnomAD v4.1: 2 of 1,614,110 alleles (0.00012%); highest among the groups gnomAD compares: South Asian, 0.0011%; no homozygotes.

Submission:

Ambry Genetics
Classification: Uncertain significance. Last evaluated: 2024-07-30. Review status: criteria provided, single submitter. Criteria: Ambry Variant Classification Scheme 2023. Collection method: clinical testing. Allele origin: germline.
Comment: The p.R47G variant (also known as c.139C>G), located in coding exon 1 of the PALLD gene, results from a C to G substitution at nucleotide position 139. The arginine at codon 47 is replaced by glycine, an amino acid with dissimilar properties. This amino acid position is conserved. In addition, the in silico prediction for this alteration is inconclusive. Based on the available evidence, the clinical significance of this variant remains unclear.

NM_001166108.2(PALLD):c.139C>G (p.Arg47Gly)

Gene: PALLD (palladin, cytoskeletal associated protein; plus strand). Cytogenetic location: 4q32.3.
Variant type: single nucleotide variant.
Coding change: c.139C>G on transcript NM_001166108.2 (MANE Select); coding-DNA position 139, C replaced by G.
Protein change: p.Arg47Gly; replaces arginine 47 with glycine.
Molecular consequence: missense variant.
Genome position (GRCh38, 1-based): chr4:168,511,643, C>G. VCF-style: chr4-168511643-C-G. GRCh37 (hg19) VCF-style: chr4-169432794-C-G.
Other names: c.139C>G, p.Arg47Gly (NM_016081.4); short protein forms R47G.
Identifiers: ClinVar variation 3413585 (VCV003413585.1).